The following is an entry in ClinVar:

NM_005560.6(LAMA5):c.5425C>T (p.Arg1809Cys)

Gene: LAMA5 (laminin subunit alpha 5; minus strand). Cytogenetic location: 20q13.33.
Variant type: single nucleotide variant.
Coding change: c.5425C>T on transcript NM_005560.6 (MANE Select); coding-DNA position 5425, C replaced by T.
Protein change: p.Arg1809Cys; replaces arginine 1809 with cysteine.
Molecular consequence: missense variant.
Genome position (GRCh38, 1-based): chr20:62,325,420, G>A on the plus strand (C>T on the coding strand, the complement: LAMA5 is on the minus strand). VCF-style: chr20-62325420-G-A. GRCh37 (hg19) VCF-style: chr20-60900476-G-A.
Other names: short protein forms R1809C.
Identifiers: ClinVar variation 3052056 (VCV003052056.3), dbSNP rs146293440, ClinGen allele CA9942202.

ClinVar aggregate classification (germline): Likely benign. Review status: criteria provided, single submitter (1 of 4 stars). 2 submissions from 2 submitters: Likely benign (1). 1 of the submissions does not count toward it.

Conditions:
LAMA5-related disorder. Also called: LAMA5-Related Disorders; LAMA5-related condition.

Allele frequency attached by ClinVar (database versions not stated): gnomAD 0.00006; ESP Exome Variant Server 0.00008; TOPMed 0.00008; 1000 Genomes Project 30x 0.00016; 1000 Genomes Project 0.00020; ExAC 0.00029.
gnomAD v4.1: 313 of 1,612,256 alleles (0.019%); highest among the groups gnomAD compares: South Asian, 0.14%; no homozygotes.

Submissions (2):

Breakthrough Genomics
Classification: Likely benign. Review status: criteria provided, single submitter. Criteria: ACMG Guidelines, 2015. Collection method: not provided. Allele origin: germline. Inheritance: Autosomal recessive inheritance. Affected: yes.

PreventionGenetics, part of Exact Sciences
Classification: Likely benign for LAMA5-related condition. Last evaluated: 2023-01-11. Review status: no assertion criteria provided. Collection method: clinical testing. Allele origin: germline. Not counted in ClinVar's aggregate classification.
Comment: This variant is classified as likely benign based on ACMG/AMP sequence variant interpretation guidelines (Richards et al. 2015 PMID: 25741868, with internal and published modifications).